The following is an entry in ClinVar:

NM_025152.3(NUBPL):c.286G>A (p.Asp96Asn)

Gene: NUBPL (NUBP iron-sulfur cluster assembly factor, mitochondrial; plus strand). Cytogenetic location: 14q12.
Variant type: single nucleotide variant.
Coding change: c.286G>A on transcript NM_025152.3 (MANE Select); coding-DNA position 286, G replaced by A.
Protein change: p.Asp96Asn; replaces aspartic acid 96 with asparagine.
Molecular consequence: missense variant. On other transcripts: non-coding transcript variant (1).
Genome position (GRCh38, 1-based): chr14:31,565,043, G>A. VCF-style: chr14-31565043-G-A. GRCh37 (hg19) VCF-style: chr14-32034249-G-A.
Other names: short protein forms D96N.
Identifiers: ClinVar variation 313023 (VCV000313023.6), dbSNP rs886050449, ClinGen allele CA10640079.

ClinVar aggregate classification (germline): Uncertain significance. Review status: criteria provided, multiple submitters, no conflicts (2 of 4 stars). 2 submissions from 2 submitters: Uncertain significance (2). Last evaluated 2024-04-15.

Conditions:
Mitochondrial complex I deficiency, nuclear type 1. Also called: NADH-COENZYME Q REDUCTASE DEFICIENCY; MITOCHONDRIAL NADH DEHYDROGENASE COMPONENT OF COMPLEX I, DEFICIENCY OF. Identifiers: MedGen C6022305, MONDO:0100224, OMIM 252010.

Allele frequency attached by ClinVar (database versions not stated): TOPMed below 0.00001; gnomAD exomes 0.00001.
gnomAD v4.1: 12 of 1,538,376 alleles (0.00078%); highest among the groups gnomAD compares: South Asian, 0.0024%; no homozygotes.

Submissions (2):

GeneDx
Classification: Uncertain significance. Last evaluated: 2024-04-15. Review status: criteria provided, single submitter. Criteria: GeneDx Variant Classification Process June 2021. Collection method: clinical testing. Allele origin: germline. Affected: yes.
Comment: Not observed at significant frequency in large population cohorts (gnomAD); In silico analysis indicates that this missense variant does not alter protein structure/function; Has not been previously published as pathogenic or benign to our knowledge

Illumina Laboratory Services, Illumina
Classification: Uncertain significance for Mitochondrial complex I deficiency, nuclear type 1. Last evaluated: 2018-01-13. Review status: criteria provided, single submitter. Criteria: ICSL Variant Classification Criteria 13 December 2019. Collection method: clinical testing. Allele origin: germline.